The following is an entry in ClinVar:

NM_005609.4(PYGM):c.816_817insTATAAGAGACAGT (p.Ala273fs)

Gene: PYGM (glycogen phosphorylase, muscle associated; minus strand). Cytogenetic location: 11q13.1.
Variant type: Insertion.
Coding change: c.816_817insTATAAGAGACAGT on transcript NM_005609.4 (MANE Select); coding-DNA positions 816 to 817, TATAAGAGACAGT inserted.
Protein change: p.Ala273fs; shifts the reading frame from alanine 273.
Molecular consequence: frameshift variant.
Genome position: GRCh38 VCF-style: chr11-64755311-C-CACTGTCTCTTATA. GRCh37 (hg19) VCF-style: chr11-64522783-C-CACTGTCTCTTATA.
Other names: c.552_553insTATAAGAGACAGT, p.Ala185fs (NM_001164716.1); short protein forms A185fs, A273fs.
Identifiers: ClinVar variation 5011153 (VCV005011153.1).

ClinVar aggregate classification (germline): Pathogenic (1 of 4 stars; one submission).

Conditions:
Glycogen storage disease, type V (GSD5). Also called: MCARDLE DISEASE; MUSCLE GLYCOGEN PHOSPHORYLASE DEFICIENCY; MYOPHOSPHORYLASE DEFICIENCY; PYGM DEFICIENCY; McArdle type glycogen storage disease. Identifiers: Orphanet 368, MedGen C0017924, MONDO:0009293, OMIM 232600.

Submission:

Myriad Genetics, Inc.
Classification: Pathogenic for Glycogen storage disease, type V. Last evaluated: 2024-05-14. Review status: criteria provided, single submitter. Criteria: Myriad Autosomal Dominant, Autosomal Recessive and X-Linked Classification Criteria (2023). Collection method: clinical testing. Allele origin: unknown.
Comment: NM_005609.2(PYGM):c.816_817ins13(A273Yfs*16) is expected to be pathogenic in the context of glycogen storage disease, PYGM-related. This variant is predicted to lead to an abnormal or absent protein product due to the creation of a premature termination codon in PYGM, a gene where loss-of-function variants are known to be pathogenic. Please note: this variant was assessed in the context of healthy population screening.